The following is an entry in ClinVar:

ClinVar aggregate classification (germline): Uncertain significance (1 of 4 stars; one submission).

Conditions:
Melnick-Needles syndrome (MNS). Also called: MELNICK-NEEDLES OSTEODYSPLASTY; OSTEODYSPLASTY OF MELNICK AND NEEDLES; Melnick-Needles Syndrome (FLNA-MNS). Identifiers: Orphanet 2484, MedGen C0025237, MONDO:0010650, OMIM 309350.
Heterotopia, periventricular, X-linked dominant (PVNH1). Also called: PERIVENTRICULAR NODULAR HETEROTOPIA 1; X-linked periventricular heterotopia; HETEROTOPIA, PERIVENTRICULAR, 1; PERIVENTRICULAR NODULAR HETEROTOPIA 4. Identifiers: Orphanet 2149, Orphanet 82004, MedGen C1848213, MONDO:0010233, OMIM 300049.
Oto-palato-digital syndrome, type II (OPD2). Also called: OPD II SYNDROME; Otopalatodigital Syndrome, Type II; FACIOPALATOOSSEOUS SYNDROME; Otopalatodigital Syndrome Type 2 (FLNA-OPD2). Identifiers: Orphanet 669, Orphanet 90652, MedGen C1844696, MONDO:0010571, OMIM 304120.
Frontometaphyseal dysplasia (FMD1). Identifiers: Orphanet 1826, MedGen C0265293, MONDO:0015942.

Submission:

Labcorp Genetics (formerly Invitae), Labcorp
Classification: Uncertain significance for Oto-palato-digital syndrome, type II; Heterotopia, periventricular, X-linked dominant; Frontometaphyseal dysplasia; Melnick-Needles syndrome. Last evaluated: 2022-09-22. Review status: criteria provided, single submitter. Criteria: Invitae Variant Classification Sherloc (09022015). Collection method: clinical testing. Allele origin: germline.
Comment: In summary, the available evidence is currently insufficient to determine the role of this variant in disease. Therefore, it has been classified as a Variant of Uncertain Significance. Advanced modeling of protein sequence and biophysical properties (such as structural, functional, and spatial information, amino acid conservation, physicochemical variation, residue mobility, and thermodynamic stability) performed at Invitae indicates that this missense variant is not expected to disrupt FLNA protein function. This variant has not been reported in the literature in individuals affected with FLNA-related conditions. This variant is not present in population databases (gnomAD no frequency). This sequence change replaces tyrosine, which is neutral and polar, with serine, which is neutral and polar, at codon 1308 of the FLNA protein (p.Tyr1308Ser).

NM_001110556.2(FLNA):c.3923A>C (p.Tyr1308Ser)

Gene: FLNA (filamin A; minus strand). Cytogenetic location: Xq28.
Variant type: single nucleotide variant.
Coding change: c.3923A>C on transcript NM_001110556.2 (MANE Select); coding-DNA position 3923, A replaced by C.
Protein change: p.Tyr1308Ser; replaces tyrosine 1308 with serine.
Molecular consequence: missense variant.
Genome position (GRCh38, 1-based): chrX:154,359,788, T>G on the plus strand (A>C on the coding strand, the complement: FLNA is on the minus strand). VCF-style: chrX-154359788-T-G. GRCh37 (hg19) VCF-style: chrX-153588156-T-G.
Other names: c.3923A>C, p.Tyr1308Ser (NM_001456.4); short protein forms Y1308S.
Identifiers: ClinVar variation 1720061 (VCV001720061.6), dbSNP rs2522739609, ClinGen allele CA415221808.